The following is an entry in ClinVar:

NM_001355436.2(SPTB):c.1092T>C (p.Val364=)

Gene: SPTB (spectrin beta, erythrocytic; minus strand). Cytogenetic location: 14q23.3.
Variant type: single nucleotide variant.
Coding change: c.1092T>C on transcript NM_001355436.2 (MANE Select); coding-DNA position 1092, T replaced by C.
Protein change: p.Val364=; no amino-acid change (valine 364 retained).
Molecular consequence: synonymous variant.
Genome position (GRCh38, 1-based): chr14:64,797,819, A>G on the plus strand (T>C on the coding strand, the complement: SPTB is on the minus strand). VCF-style: chr14-64797819-A-G. GRCh37 (hg19) VCF-style: chr14-65264537-A-G.
Other names: c.1092T>C, p.Val364= (NM_001024858.4, NM_001355437.2).
Identifiers: ClinVar variation 3051671 (VCV003051671.9), dbSNP rs139892907, ClinGen allele CA7231219.

ClinVar aggregate classification (germline): Likely benign. Review status: criteria provided, multiple submitters, no conflicts (2 of 4 stars). 5 submissions from 5 submitters: Likely benign (4). 1 of the submissions does not count toward it. Last evaluated 2026-07-01.

Conditions:
SPTB-related disorder. Also called: SPTB-Related Disorders; SPTB-related condition.

Allele frequency attached by ClinVar (database versions not stated): gnomAD 0.00029; TOPMed 0.00034; ExAC 0.00040; gnomAD exomes 0.00051; ESP Exome Variant Server 0.00069.

Submissions (5):

CeGaT Center for Human Genetics Tuebingen
Classification: Likely benign. Last evaluated: 2026-07-01. Review status: criteria provided, single submitter. Criteria: CeGaT Center For Human Genetics Tuebingen Variant Classification Criteria Version 2. Collection method: clinical testing. Allele origin: germline. Affected: yes. Observed: 2 variant alleles.
Comment: SPTB: BP4, BP7

ARUP Laboratories, Molecular Genetics and Genomics, ARUP Laboratories
Classification: Likely benign. Last evaluated: 2025-05-23. Review status: criteria provided, single submitter. Criteria: ARUP Molecular Germline Variant Investigation Process 2024. Collection method: clinical testing. Allele origin: germline.

Labcorp Genetics (formerly Invitae), Labcorp
Classification: Likely benign. Last evaluated: 2024-12-30. Review status: criteria provided, single submitter. Criteria: Invitae Variant Classification Sherloc (09022015). Collection method: clinical testing. Allele origin: germline.

Blueprint Genetics
Classification: Likely benign. Last evaluated: 2024-11-07. Review status: criteria provided, single submitter. Criteria: ACMG Guidelines, 2015. Collection method: clinical testing. Allele origin: germline.

PreventionGenetics, part of Exact Sciences
Classification: Likely benign for SPTB-related condition. Last evaluated: 2021-10-01. Review status: no assertion criteria provided. Collection method: clinical testing. Allele origin: germline. Not counted in ClinVar's aggregate classification.
Comment: This variant is classified as likely benign based on ACMG/AMP sequence variant interpretation guidelines (Richards et al. 2015 PMID: 25741868, with internal and published modifications).